The following is an entry in ClinVar:

ClinVar aggregate classification (germline): Uncertain significance (1 of 4 stars; one submission).

Conditions:
Mitochondrial trifunctional protein deficiency. Identifiers: Orphanet 746, MedGen C1969443, MONDO:0012172.

Allele frequency attached by ClinVar (database versions not stated): gnomAD exomes below 0.00001; gnomAD 0.00001.

Submission:

Labcorp Genetics (formerly Invitae), Labcorp
Classification: Uncertain significance for Mitochondrial trifunctional protein deficiency. Last evaluated: 2021-09-24. Review status: criteria provided, single submitter. Criteria: Invitae Variant Classification Sherloc (09022015). Collection method: clinical testing. Allele origin: germline.
Comment: This sequence change replaces methionine with lysine at codon 168 of the HADHB protein (p.Met168Lys). The methionine residue is highly conserved and there is a moderate physicochemical difference between methionine and lysine. This variant is not present in population databases (ExAC no frequency). This variant has not been reported in the literature in individuals with HADHB-related conditions. Algorithms developed to predict the effect of missense changes on protein structure and function (SIFT, PolyPhen-2, Align-GVGD) all suggest that this variant is likely to be disruptive, but these predictions have not been confirmed by published functional studies and their clinical significance is uncertain. In summary, the available evidence is currently insufficient to determine the role of this variant in disease. Therefore, it has been classified as a Variant of Uncertain Significance.

NM_000183.3(HADHB):c.503T>A (p.Met168Lys)

Gene: HADHB (hydroxyacyl-CoA dehydrogenase trifunctional multienzyme complex subunit beta; plus strand). Cytogenetic location: 2p23.3.
Variant type: single nucleotide variant.
Coding change: c.503T>A on transcript NM_000183.3 (MANE Select); coding-DNA position 503, T replaced by A.
Protein change: p.Met168Lys; replaces methionine 168 with lysine.
Molecular consequence: missense variant.
Genome position (GRCh38, 1-based): chr2:26,278,674, T>A. VCF-style: chr2-26278674-T-A. GRCh37 (hg19) VCF-style: chr2-26501542-T-A.
Other names: c.458T>A, p.Met153Lys (NM_001281512.2); c.437T>A, p.Met146Lys (NM_001281513.2); short protein forms M146K, M168K, M153K.
Identifiers: ClinVar variation 1502367 (VCV001502367.5), dbSNP rs1672656422, ClinGen allele CA346092358.